The following is an entry in ClinVar:

NM_006343.3(MERTK):c.1163T>C (p.Leu388Ser)

Gene: MERTK (MER proto-oncogene, tyrosine kinase; plus strand). Cytogenetic location: 2q13.
Variant type: single nucleotide variant.
Coding change: c.1163T>C on transcript NM_006343.3 (MANE Select); coding-DNA position 1163, T replaced by C.
Protein change: p.Leu388Ser; replaces leucine 388 with serine.
Molecular consequence: missense variant.
Genome position (GRCh38, 1-based): chr2:111,982,860, T>C. VCF-style: chr2-111982860-T-C. GRCh37 (hg19) VCF-style: chr2-112740437-T-C.
Other names: short protein forms L388S.
Identifiers: ClinVar variation 2057457 (VCV002057457.4), dbSNP rs2466843627, ClinGen allele CA348235270.

ClinVar aggregate classification (germline): Uncertain significance (1 of 4 stars; one submission).

Submission:

Labcorp Genetics (formerly Invitae), Labcorp
Classification: Uncertain significance. Last evaluated: 2023-08-10. Review status: criteria provided, single submitter. Criteria: Invitae Variant Classification Sherloc (09022015). Collection method: clinical testing. Allele origin: germline.
Comment: This variant has not been reported in the literature in individuals affected with MERTK-related conditions. This variant is not present in population databases (gnomAD no frequency). This sequence change replaces leucine, which is neutral and non-polar, with serine, which is neutral and polar, at codon 388 of the MERTK protein (p.Leu388Ser). ClinVar contains an entry for this variant (Variation ID: 2057457). In summary, the available evidence is currently insufficient to determine the role of this variant in disease. Therefore, it has been classified as a Variant of Uncertain Significance. Algorithms developed to predict the effect of sequence changes on RNA splicing suggest that this variant may disrupt the consensus splice site. Advanced modeling of protein sequence and biophysical properties (such as structural, functional, and spatial information, amino acid conservation, physicochemical variation, residue mobility, and thermodynamic stability) performed at Invitae indicates that this missense variant is not expected to disrupt MERTK protein function.